The following is an entry in ClinVar:

NM_001360016.2(G6PD):c.82C>T (p.Gln28Ter)

Genes: G6PD (glucose-6-phosphate dehydrogenase; minus strand), IKBKG (inhibitor of nuclear factor kappa B kinase regulatory subunit gamma; plus strand). Cytogenetic location: Xq28.
Variant type: single nucleotide variant.
Coding change: c.82C>T on transcript NM_001360016.2 (MANE Select); coding-DNA position 82, C replaced by T.
Protein change: p.Gln28Ter; replaces glutamine 28 with a stop codon.
Molecular consequence: nonsense. On other transcripts: intron variant (4).
Genome position (GRCh38, 1-based): chrX:154,546,074, G>A on the plus strand (C>T on the coding strand, the complement: G6PD is on the minus strand). VCF-style: chrX-154546074-G-A. GRCh37 (hg19) VCF-style: chrX-153774289-G-A.
Other names: c.172C>T, p.Gln58Ter (NM_000402.4); c.82C>T, p.Gln28Ter (NM_001042351.3); c.-16+4683G>A (NM_001377312.1, NM_001377313.1); c.189+3622G>A (NM_001099856.6); c.-16+3687G>A (NM_001321396.3); short protein forms Q58*, Q28*.
Identifiers: ClinVar variation 4734590 (VCV004734590.2).

ClinVar aggregate classification (germline): Pathogenic/Likely pathogenic. Review status: criteria provided, multiple submitters, no conflicts (2 of 4 stars). 2 submissions from 2 submitters: Pathogenic (1); Likely pathogenic (1). Last evaluated 2026-03-19.

Conditions:
Anemia, nonspherocytic hemolytic, due to G6PD deficiency (CNSHA1). Also called: Hemolytic anemia due to G6PD deficiency; Favism, susceptibility to; Class I glucose-6-phosphate dehydrogenase deficiency; ANEMIA, CONGENITAL, NONSPHEROCYTIC HEMOLYTIC, 1. Identifiers: Orphanet 466026, MedGen C2720289, MONDO:0010480, OMIM 300908.
G6PD-related disorder. Also called: G6PD-related condition.

Submissions (2):

PreventionGenetics, part of Exact Sciences
Classification: Likely pathogenic for G6PD-related condition. Last evaluated: 2026-03-19. Review status: criteria provided, single submitter. Criteria: ACMG Guidelines, 2015. Collection method: clinical testing. Allele origin: germline.
Comment: The G6PD c.82C>T variant is predicted to result in premature protein termination (p.Gln28*). To our knowledge, this variant has not been reported in the literature or in a large population database (gnomAD), indicating this variant is rare. Nonsense variants in G6PD are expected to be pathogenic. This variant is interpreted as likely pathogenic.

Labcorp Genetics (formerly Invitae), Labcorp
Classification: Pathogenic for Anemia, nonspherocytic hemolytic, due to G6PD deficiency. Last evaluated: 2026-01-02. Review status: criteria provided, single submitter. Criteria: Invitae Variant Classification Sherloc (09022015). Collection method: clinical testing. Allele origin: germline.
Comment: This sequence change creates a premature translational stop signal (p.Gln28*) in the G6PD gene. It is expected to result in an absent or disrupted protein product. Loss-of-function variants in G6PD are known to be pathogenic (PMID: 18177777). This variant is not present in population databases (gnomAD no frequency). This variant has not been reported in the literature in individuals affected with G6PD-related conditions. For these reasons, this variant has been classified as Pathogenic.

Literature cited by the submitters: PubMed 18177777 (cited by Labcorp Genetics (formerly Invitae), Labcorp).